The following is an entry in ClinVar:

ClinVar aggregate classification (germline): Likely benign. Review status: criteria provided, multiple submitters, no conflicts (2 of 4 stars). 2 submissions from 2 submitters: Likely benign (2). Last evaluated 2018-06-14.

Allele frequency attached by ClinVar (database versions not stated): gnomAD exomes 0.00057; gnomAD 0.00535 and 0.00573; TOPMed 0.00615; 1000 Genomes Project 0.00719; 1000 Genomes Project 30x 0.00843.
gnomAD v4.1: 1,317 of 991,700 alleles (0.13%); highest among the groups gnomAD compares: African/African-American, 1.8%; 10 homozygotes.

Submissions (2):

GeneDx
Classification: Likely benign. Last evaluated: 2018-06-14. Review status: criteria provided, single submitter. Criteria: GeneDx Variant Classification (06012015). Collection method: clinical testing. Allele origin: germline. Affected: yes.
Comment: This variant is considered likely benign or benign based on one or more of the following criteria: it is a conservative change, it occurs at a poorly conserved position in the protein, it is predicted to be benign by multiple in silico algorithms, and/or has population frequency not consistent with disease.

Breakthrough Genomics
Classification: Likely benign. Review status: criteria provided, single submitter. Criteria: ACMG Guidelines, 2015. Collection method: not provided. Allele origin: germline. Inheritance: Autosomal dominant inheritance. Affected: yes.

NM_007078.3(LDB3):c.689+4041G>A

Genes: LDB3 (LIM domain binding 3; plus strand), LOC110121486 (VISTA enhancer hs2143; plus strand). Cytogenetic location: 10q23.2.
Variant type: single nucleotide variant.
Coding change: c.689+4041G>A on transcript NM_007078.3 (MANE Select); 4041 bases into the intron after coding-DNA position 689, G replaced by A.
Molecular consequence: intron variant.
Genome position (GRCh38, 1-based): chr10:86,685,844, G>A. VCF-style: chr10-86685844-G-A. GRCh37 (hg19) VCF-style: chr10-88445601-G-A.
Other names: c.689+4041G>A (NM_001368064.1, NM_001368063.1, NM_001368065.1 and 1 more transcripts); c.344+144G>A (NM_001368068.1, NM_001368066.1, NM_001080114.2 and 2 more transcripts); c.690-1225G>A (NM_001171610.2, NM_001171611.2).
Identifiers: ClinVar variation 676592 (VCV000676592.2), dbSNP rs73344165, ClinGen allele CA211180019.